The following is an entry in ClinVar:

NM_017617.5(NOTCH1):c.1669+4C>A

Gene: NOTCH1 (notch receptor 1; minus strand). Cytogenetic location: 9q34.3.
Variant type: single nucleotide variant.
Coding change: c.1669+4C>A on transcript NM_017617.5 (MANE Select); 4 bases into the intron after coding-DNA position 1669, C replaced by A.
Molecular consequence: intron variant.
Genome position (GRCh38, 1-based): chr9:136,515,977, G>T on the plus strand (C>A on the coding strand, the complement: NOTCH1 is on the minus strand). VCF-style: chr9-136515977-G-T. GRCh37 (hg19) VCF-style: chr9-139410429-G-T.
Identifiers: ClinVar variation 846808 (VCV000846808.10), dbSNP rs1227337588, ClinGen allele CA916083091.

ClinVar aggregate classification (germline): Uncertain significance (1 of 4 stars; one submission).

Conditions:
Adams-Oliver syndrome 5 (AOS5). Identifiers: Orphanet 974, MedGen C4014970, MONDO:0014459, OMIM 616028.

gnomAD v4.1: 2 of 1,606,168 alleles (0.00012%); highest among the groups gnomAD compares: Non-Finnish European, 0.00017%; no homozygotes.

Submission:

Labcorp Genetics (formerly Invitae), Labcorp
Classification: Uncertain significance for Adams-Oliver syndrome 5. Last evaluated: 2019-12-13. Review status: criteria provided, single submitter. Criteria: Invitae Variant Classification Sherloc (09022015). Collection method: clinical testing. Allele origin: germline.
Comment: Nucleotide substitutions within the consensus splice site are a relatively common cause of aberrant splicing (PMID: 17576681, 9536098). Algorithms developed to predict the effect of sequence changes on RNA splicing suggest that this variant may create or strengthen a splice site, but this prediction has not been confirmed by published transcriptional studies. In summary, the available evidence is currently insufficient to determine the role of this variant in disease. Therefore, it has been classified as a Variant of Uncertain Significance. This variant has not been reported in the literature in individuals with NOTCH1-related conditions. This variant is not present in population databases (ExAC no frequency). This sequence change falls in intron 10 of the NOTCH1 gene. It does not directly change the encoded amino acid sequence of the NOTCH1 protein, but it affects a nucleotide within the consensus splice site of the intron.

Literature cited by the submitters: PubMed 17576681; PubMed 9536098.